The following is an entry in ClinVar:

NM_052947.4(ALPK2):c.560C>T (p.Ser187Phe)

Gene: ALPK2 (alpha kinase 2; minus strand). Cytogenetic location: 18q21.31.
Variant type: single nucleotide variant.
Coding change: c.560C>T on transcript NM_052947.4 (MANE Select); coding-DNA position 560, C replaced by T.
Protein change: p.Ser187Phe; replaces serine 187 with phenylalanine.
Molecular consequence: missense variant.
Genome position (GRCh38, 1-based): chr18:58,580,216, G>A on the plus strand (C>T on the coding strand, the complement: ALPK2 is on the minus strand). VCF-style: chr18-58580216-G-A. GRCh37 (hg19) VCF-style: chr18-56247448-G-A.
Other names: short protein forms S187F.
Identifiers: ClinVar variation 1748619 (VCV001748619.2), dbSNP rs749882026, ClinGen allele CA402567712.

ClinVar aggregate classification (germline): Uncertain significance (1 of 4 stars; one submission).

Submission:

Ambry Genetics
Classification: Uncertain significance. Last evaluated: 2022-08-08. Review status: criteria provided, single submitter. Criteria: Ambry Variant Classification Scheme 2023. Collection method: clinical testing. Allele origin: germline.
Comment: The p.S187F variant (also known as c.560C>T), located in coding exon 3 of the ALPK2 gene, results from a C to T substitution at nucleotide position 560. The serine at codon 187 is replaced by phenylalanine, an amino acid with highly dissimilar properties. This amino acid position is conserved. In addition, this alteration is predicted to be tolerated by in silico analysis. Since supporting evidence is limited at this time, the clinical significance of this alteration remains unclear.